The following is an entry in ClinVar:

NM_001458.5(FLNC):c.4959C>A (p.Cys1653Ter)

Gene: FLNC (filamin C; plus strand). Cytogenetic location: 7q32.1.
Variant type: single nucleotide variant.
Coding change: c.4959C>A on transcript NM_001458.5 (MANE Select); coding-DNA position 4959, C replaced by A.
Protein change: p.Cys1653Ter; replaces cysteine 1653 with a stop codon.
Molecular consequence: nonsense.
Genome position (GRCh38, 1-based): chr7:128,849,338, C>A. VCF-style: chr7-128849338-C-A. GRCh37 (hg19) VCF-style: chr7-128489392-C-A.
Other names: c.4959C>A, p.Cys1653Ter (NM_001127487.2); short protein forms C1653*.
Identifiers: ClinVar variation 2112130 (VCV002112130.4), dbSNP rs1169967969, ClinGen allele CA369203878.

ClinVar aggregate classification (germline): Pathogenic (1 of 4 stars; one submission).

Conditions:
Myofibrillar myopathy 5. Also called: Filaminopathy (type); FILAMINOPATHY, AUTOSOMAL DOMINANT. Identifiers: Orphanet 171445, MedGen C1836050, MONDO:0012289, OMIM 609524.
Distal myopathy with posterior leg and anterior hand involvement. Also called: WILLIAMS DISTAL MYOPATHY. Identifiers: Orphanet 63273, MedGen C3279722, MONDO:0013550, OMIM 614065.
Hypertrophic cardiomyopathy 26. Also called: Cardiomyopathy, familial hypertrophic, 26. Identifiers: Orphanet 75249, MedGen C4310749, MONDO:0014883, OMIM 617047.

Submission:

Labcorp Genetics (formerly Invitae), Labcorp
Classification: Pathogenic for Distal myopathy with posterior leg and anterior hand involvement; Myofibrillar myopathy 5; Hypertrophic cardiomyopathy 26. Last evaluated: 2022-03-14. Review status: criteria provided, single submitter. Criteria: Invitae Variant Classification Sherloc (09022015). Collection method: clinical testing. Allele origin: germline.
Comment: For these reasons, this variant has been classified as Pathogenic. Algorithms developed to predict the effect of sequence changes on RNA splicing suggest that this variant may create or strengthen a splice site. This variant has not been reported in the literature in individuals affected with FLNC-related conditions. This variant is not present in population databases (gnomAD no frequency). This sequence change creates a premature translational stop signal (p.Cys1653*) in the FLNC gene. It is expected to result in an absent or disrupted protein product. Loss-of-function variants in FLNC are known to be pathogenic (PMID: 27908349).

Literature cited by the submitters: PubMed 27908349.